The following is an entry in ClinVar:

ClinVar aggregate classification (germline): Conflicting classifications of pathogenicity. Review status: criteria provided, conflicting classifications (1 of 4 stars). 3 submissions from 3 submitters: Likely pathogenic (1); Uncertain significance (2). Last evaluated 2024-06-18.

Conditions:
Inborn genetic diseases. Identifiers: MedGen C0950123, MeSH D030342.

Submissions (3):

Ambry Genetics
Classification: Likely pathogenic for Inborn genetic diseases. Last evaluated: 2024-06-18. Review status: criteria provided, single submitter. Criteria: Ambry Variant Classification Scheme 2023. Collection method: clinical testing. Allele origin: germline.
Comment: The 2442+5G>A intronic alteration results from a G to A substitution 5 nucleotides after exon 18 (coding exon 17) of the CSF1R gene. for autosomal dominant CSF1R-related diffuse leukoencephalopathy with spheroids; however, its clinical significance for autosomal recessive CSF1R-related brain abnormalities, neurodegeneration, and dysosteosclerosis is uncertain This variant was not reported in population-based cohorts in the Genome Aggregation Database (gnomAD). This variant has been detected in one individual in a large cohort of individuals with adult-onset leukoencephalopathy with axonal spheroids and pigmented glia (Konno, 2017). This nucleotide position is highly conserved in available vertebrate species. RNA studies have demonstrated that this alteration results in abnormal splicing in the set of samples tested (Ambry internal data). In silico splice site analysis predicts that this alteration will not have any significant effect on splicing. Based on the available evidence, this alteration is classified as likely pathogenic.

Labcorp Genetics (formerly Invitae), Labcorp
Classification: Uncertain significance. Last evaluated: 2023-10-23. Review status: criteria provided, single submitter. Criteria: Invitae Variant Classification Sherloc (09022015). Collection method: clinical testing. Allele origin: germline.
Comment: This sequence change falls in intron 18 of the CSF1R gene. It does not directly change the encoded amino acid sequence of the CSF1R protein. It affects a nucleotide within the consensus splice site. This variant is not present in population databases (gnomAD no frequency). This variant has been observed in individual(s) with clinical features of CSF1R-related conditions (PMID: 27680516). ClinVar contains an entry for this variant (Variation ID: 1331662). Variants that disrupt the consensus splice site are a relatively common cause of aberrant splicing (PMID: 17576681, 9536098). Algorithms developed to predict the effect of sequence changes on RNA splicing suggest that this variant may disrupt the consensus splice site. This variant disrupts the c.2442+5G nucleotide in the CSF1R gene. Other variant(s) that disrupt this nucleotide have been determined to be pathogenic (PMID: 22197934). This suggests that this nucleotide is clinically significant, and that variants that disrupt this position are likely to be disease-causing. In summary, the available evidence is currently insufficient to determine the role of this variant in disease. Therefore, it has been classified as a Variant of Uncertain Significance.

Greenwood Genetic Center Diagnostic Laboratories, Greenwood Genetic Center
Classification: Uncertain significance. Last evaluated: 2021-01-25. Review status: criteria provided, single submitter. Criteria: ACMG Guidelines, 2015. Collection method: clinical testing. Allele origin: germline. Affected: yes.
Comment: PS4_Supporting, PP3, PM2

Literature cited by the submitters: PubMed 27680516 (cited by Ambry Genetics and Labcorp Genetics (formerly Invitae), Labcorp); PubMed 17576681 (cited by Labcorp Genetics (formerly Invitae), Labcorp); PubMed 9536098 (cited by Labcorp Genetics (formerly Invitae), Labcorp); PubMed 22197934 (cited by Labcorp Genetics (formerly Invitae), Labcorp).

NM_001288705.3(CSF1R):c.2442+5G>A

Gene: CSF1R (colony stimulating factor 1 receptor; minus strand). Cytogenetic location: 5q32.
Variant type: single nucleotide variant.
Coding change: c.2442+5G>A on transcript NM_001288705.3 (MANE Select); 5 bases into the intron after coding-DNA position 2442, G replaced by A.
Molecular consequence: intron variant.
Genome position (GRCh38, 1-based): chr5:150,056,214, C>T on the plus strand (G>A on the coding strand, the complement: CSF1R is on the minus strand). VCF-style: chr5-150056214-C-T. GRCh37 (hg19) VCF-style: chr5-149435777-C-T.
Other names: c.1998+5G>A (NM_001375321.1); c.2442+5G>A (NM_005211.4, NM_001375320.1, NM_001349736.2).
Identifiers: ClinVar variation 1331662 (VCV001331662.8), dbSNP rs281860275, ClinGen allele CA2573052456.